The following is an entry in ClinVar:

ClinVar aggregate classification (germline): Likely benign. Review status: criteria provided, single submitter (1 of 4 stars). 2 submissions from 2 submitters: Likely benign (1). 1 of the submissions does not count toward it. Last evaluated 2022-08-23.

Conditions:
GTPBP2-related disorder. Also called: GTPBP2-related condition.

Allele frequency attached by ClinVar (database versions not stated): gnomAD 0.00001; gnomAD exomes 0.00001 and 0.00002; TOPMed 0.00001; ExAC 0.00003.
gnomAD v4.1: 13 of 1,614,044 alleles (0.00081%); highest among the groups gnomAD compares: Non-Finnish European, 0.0011%; no homozygotes.

Submissions (2):

Labcorp Genetics (formerly Invitae), Labcorp
Classification: Likely benign. Last evaluated: 2022-08-23. Review status: criteria provided, single submitter. Criteria: Invitae Variant Classification Sherloc (09022015). Collection method: clinical testing. Allele origin: germline.

PreventionGenetics, part of Exact Sciences
Classification: Likely benign for GTPBP2-related condition. Last evaluated: 2019-04-29. Review status: no assertion criteria provided. Collection method: clinical testing. Allele origin: germline. Not counted in ClinVar's aggregate classification.
Comment: This variant is classified as likely benign based on ACMG/AMP sequence variant interpretation guidelines (Richards et al. 2015 PMID: 25741868, with internal and published modifications).

NM_019096.5(GTPBP2):c.1572G>A (p.Gln524=)

Gene: GTPBP2 (GTP binding protein 2; minus strand). Cytogenetic location: 6p21.1.
Variant type: single nucleotide variant.
Coding change: c.1572G>A on transcript NM_019096.5 (MANE Select); coding-DNA position 1572, G replaced by A.
Protein change: p.Gln524=; no amino-acid change (glutamine 524 retained).
Molecular consequence: synonymous variant.
Genome position (GRCh38, 1-based): chr6:43,622,063, C>T on the plus strand (G>A on the coding strand, the complement: GTPBP2 is on the minus strand). VCF-style: chr6-43622063-C-T. GRCh37 (hg19) VCF-style: chr6-43589800-C-T.
Other names: c.1308G>A, p.Gln436= (NM_001286216.2).
Identifiers: ClinVar variation 1613941 (VCV001613941.11), dbSNP rs773412370, ClinGen allele CA3827518.